The following is an entry in ClinVar:

NM_001453.3(FOXC1):c.451dup (p.Tyr151fs)

Gene: FOXC1 (forkhead box C1; plus strand). Cytogenetic location: 6p25.3.
Variant type: Duplication.
Coding change: c.451dup on transcript NM_001453.3 (MANE Select); coding-DNA position 451, one base duplicated (T; older notation c.451dupT).
Protein change: p.Tyr151fs; shifts the reading frame from tyrosine 151.
Molecular consequence: frameshift variant.
Genome position (GRCh38, 1-based): chr6:1,610,896, T duplicated. VCF-style (leftmost placement, unchanged base first): chr6-1610895-C-CT. GRCh37 (hg19) VCF-style: chr6-1611130-C-CT.
Other names: short protein forms Y151fs.
Identifiers: ClinVar variation 846457 (VCV000846457.9), dbSNP rs1762525473, ClinGen allele CA916082801.

ClinVar aggregate classification (germline): Pathogenic (1 of 4 stars; one submission).

Conditions:
Axenfeld-Rieger syndrome type 3 (RIEG3). Also called: AXENFELD-RIEGER ANOMALY WITH CARDIAC DEFECTS AND/OR SENSORINEURAL HEARING LOSS. Identifiers: Orphanet 782, MedGen C2678503, MONDO:0011233, OMIM 602482.

Submission:

Labcorp Genetics (formerly Invitae), Labcorp
Classification: Pathogenic for Axenfeld-Rieger syndrome type 3. Last evaluated: 2019-11-28. Review status: criteria provided, single submitter. Criteria: Invitae Variant Classification Sherloc (09022015). Collection method: clinical testing. Allele origin: germline.
Comment: This variant disrupts the C-terminus of the FOXC1 protein. Other variant(s) that disrupt this region (p.Leu240Valfs*65 and p.Ser272Argfs*43) have been determined to be pathogenic (PMID: 16638984, 20881294, Invitae). This suggests that variants that disrupt this region of the protein are likely to be causative of disease. For these reasons, this variant has been classified as Pathogenic. This variant has not been reported in the literature in individuals with FOXC1-related conditions. This variant is not present in population databases (ExAC no frequency). This sequence change results in a premature translational stop signal in the FOXC1 gene (p.Tyr151Leufs*155). While this is not anticipated to result in nonsense mediated decay, it is expected to disrupt the last 403 amino acids of the FOXC1 protein.

Literature cited by the submitters: PubMed 16638984; PubMed 20881294.